The following is an entry in ClinVar:

ClinVar aggregate classification (germline): Pathogenic (1 of 4 stars; one submission).

Conditions:
Juvenile polyposis syndrome (JPS). Identifiers: Orphanet 2929, MedGen C0345893, MONDO:0017380, OMIM 174900.

Submission:

Labcorp Genetics (formerly Invitae), Labcorp
Classification: Pathogenic for Juvenile polyposis syndrome. Last evaluated: 2025-05-07. Review status: criteria provided, single submitter. Criteria: Invitae Variant Classification Sherloc (09022015). Collection method: clinical testing. Allele origin: germline.
Comment: This sequence change creates a premature translational stop signal (p.Arg531Glyfs*6) in the SMAD4 gene. While this is not anticipated to result in nonsense mediated decay, it is expected to disrupt the last 22 amino acid(s) of the SMAD4 protein. This variant is not present in population databases (gnomAD no frequency). This premature translational stop signal has been observed in individual(s) with hereditary hemorrhagic teleangiectasia (PMID: 27212857). This variant disrupts a region of the SMAD4 protein in which other variant(s) (p.Glu538*) have been determined to be pathogenic (internal data). This suggests that this is a clinically significant region of the protein, and that variants that disrupt it are likely to be disease-causing. For these reasons, this variant has been classified as Pathogenic.

Literature cited by the submitters: PubMed 27212857.

NM_005359.6(SMAD4):c.1591del (p.Arg531fs)

Gene: SMAD4 (SMAD family member 4; plus strand). Cytogenetic location: 18q21.2.
Variant type: Deletion.
Coding change: c.1591del on transcript NM_005359.6 (MANE Select); coding-DNA position 1591, one base deleted (C; older notation c.1591delC).
Protein change: p.Arg531fs; shifts the reading frame from arginine 531.
Molecular consequence: frameshift variant. On other transcripts: non-coding transcript variant (1).
Genome position (GRCh38, 1-based): chr18:51,078,399, C deleted; the last of 2 consecutive C bases (chr18:51,078,398-51,078,399); deleting either gives the same sequence. VCF-style (leftmost placement, unchanged base first): chr18-51078397-AC-A. GRCh37 (hg19) VCF-style: chr18-48604767-AC-A.
Other names: c.1591del, p.Arg531fs (NM_001407041.1, NM_001407042.1); short protein forms R531fs.
Identifiers: ClinVar variation 4710461 (VCV004710461.1).